The following is an entry in ClinVar:

NM_000023.4(SGCA):c.649G>A (p.Asp217Asn)

Gene: SGCA (sarcoglycan alpha; plus strand). Cytogenetic location: 17q21.33.
Variant type: single nucleotide variant.
Coding change: c.649G>A on transcript NM_000023.4 (MANE Select); coding-DNA position 649, G replaced by A.
Protein change: p.Asp217Asn; replaces aspartic acid 217 with asparagine.
Molecular consequence: missense variant. On other transcripts: non-coding transcript variant (1), intron variant (1).
Genome position (GRCh38, 1-based): chr17:50,169,156, G>A. VCF-style: chr17-50169156-G-A. GRCh37 (hg19) VCF-style: chr17-48246517-G-A.
Other names: c.584+584G>A (NM_001135697.3); short protein forms D217N.
Identifiers: ClinVar variation 1415677 (VCV001415677.3), dbSNP rs780564461, ClinGen allele CA8643855.
Genomic context (GRCh38, chr17:50,169,156, plus strand): 5'-TACATTAAGGTGGGTTCTGCCTCACCTTTTTCTACTTGCCTGAAGATGGTGGCATCCCCC[G>A]ATAGCCACGCCCGCTGTGCCCAGGGCCAGCCTCCACTTCTGTCTTGCTACGACACCTTGG-3'
Protein context (NP_000014.1, residues 207-227): STCLKMVASP[Asp217Asn]SHARCAQGQP

ClinVar aggregate classification (germline): Uncertain significance (1 of 4 stars; one submission).

Conditions:
Autosomal recessive limb-girdle muscular dystrophy type 2D (LGMDR3). Also called: MUSCULAR DYSTROPHY, LIMB-GIRDLE, AUTOSOMAL RECESSIVE 3; DUCHENNE-LIKE AUTOSOMAL RECESSIVE MUSCULAR DYSTROPHY, TYPE 2; ADHALINOPATHY, PRIMARY. Identifiers: Orphanet 62, MedGen C2936332, MONDO:0011968, OMIM 608099. Disease mechanism: Affects gamma-sarcoglycan and also disrupts the integrity of the entire sarcoglycan complex..

Allele frequency attached by ClinVar (database versions not stated): gnomAD exomes below 0.00001 and 0.00001; ExAC 0.00001; gnomAD 0.00001; TOPMed 0.00001.

Submission:

Labcorp Genetics (formerly Invitae), Labcorp
Classification: Uncertain significance for Autosomal recessive limb-girdle muscular dystrophy type 2D. Last evaluated: 2022-07-19. Review status: criteria provided, single submitter. Criteria: Invitae Variant Classification Sherloc (09022015). Collection method: clinical testing. Allele origin: germline.
Comment: This sequence change replaces aspartic acid, which is acidic and polar, with asparagine, which is neutral and polar, at codon 217 of the SGCA protein (p.Asp217Asn). This variant is present in population databases (rs780564461, gnomAD 0.006%). This variant has not been reported in the literature in individuals affected with SGCA-related conditions. ClinVar contains an entry for this variant (Variation ID: 1415677). Advanced modeling of protein sequence and biophysical properties (such as structural, functional, and spatial information, amino acid conservation, physicochemical variation, residue mobility, and thermodynamic stability) performed at Invitae indicates that this missense variant is not expected to disrupt SGCA protein function. In summary, the available evidence is currently insufficient to determine the role of this variant in disease. Therefore, it has been classified as a Variant of Uncertain Significance.